The following is an entry in ClinVar:

ClinVar aggregate classification (germline): Uncertain significance (1 of 4 stars; one submission).

Submission:

Labcorp Genetics (formerly Invitae), Labcorp
Classification: Uncertain significance. Last evaluated: 2023-12-22. Review status: criteria provided, single submitter. Criteria: Invitae Variant Classification Sherloc (09022015). Collection method: clinical testing. Allele origin: germline.
Comment: This sequence change replaces cysteine, which is neutral and slightly polar, with phenylalanine, which is neutral and non-polar, at codon 438 of the CTNNA1 protein (p.Cys438Phe). This variant is not present in population databases (gnomAD no frequency). This variant has not been reported in the literature in individuals affected with CTNNA1-related conditions. Advanced modeling of protein sequence and biophysical properties (such as structural, functional, and spatial information, amino acid conservation, physicochemical variation, residue mobility, and thermodynamic stability) has been performed at Invitae for this missense variant, however the output from this modeling did not meet the statistical confidence thresholds required to predict the impact of this variant on CTNNA1 protein function. In summary, the available evidence is currently insufficient to determine the role of this variant in disease. Therefore, it has been classified as a Variant of Uncertain Significance.

NM_001903.5(CTNNA1):c.1313G>T (p.Cys438Phe)

Gene: CTNNA1 (catenin alpha 1; plus strand). Cytogenetic location: 5q31.2.
Variant type: single nucleotide variant.
Coding change: c.1313G>T on transcript NM_001903.5 (MANE Select); coding-DNA position 1313, G replaced by T.
Protein change: p.Cys438Phe; replaces cysteine 438 with phenylalanine.
Molecular consequence: missense variant. On other transcripts: 5 prime UTR variant (6), intron variant (3).
Genome position (GRCh38, 1-based): chr5:138,904,365, G>T. VCF-style: chr5-138904365-G-T. GRCh37 (hg19) VCF-style: chr5-138240054-G-T.
Other names: c.1313G>T, p.Cys438Phe (NM_001290307.3, NM_001323982.2, NM_001323983.1 and 2 more transcripts); c.1004G>T, p.Cys335Phe (NM_001290309.3); c.944G>T, p.Cys315Phe (NM_001290310.3); c.203G>T, p.Cys68Phe (NM_001290312.1, NM_001323987.1, NM_001323988.1 and 17 more transcripts); c.-195G>T (NM_001324006.1, NM_001324007.1, NM_001324008.1 and 1 more transcripts); c.-41G>T (NM_001324012.1, NM_001324013.1); c.1297-13377G>T (NM_001323986.2); c.187-13377G>T (NM_001324011.1); and 1 more; short protein forms C315F, C335F, C438F, C68F.
Identifiers: ClinVar variation 2710487 (VCV002710487.3), dbSNP rs747066634, ClinGen allele CA361135893.